The following is an entry in ClinVar:

ClinVar aggregate classification (germline): Uncertain significance. Review status: criteria provided, multiple submitters, no conflicts (2 of 4 stars). 2 submissions from 2 submitters: Uncertain significance (2). Last evaluated 2022-01-02.

Conditions:
Hereditary cancer-predisposing syndrome. Also called: Hereditary Cancer Syndrome; Tumor predisposition; Hereditary neoplastic syndrome; Neoplastic Syndromes, Hereditary. Identifiers: Orphanet 140162, MedGen C0027672, MeSH D009386, MONDO:0015356.

Submissions (2):

Ambry Genetics
Classification: Uncertain significance for Hereditary cancer-predisposing syndrome. Last evaluated: 2022-01-02. Review status: criteria provided, single submitter. Criteria: Ambry Variant Classification Scheme 2023. Collection method: clinical testing. Allele origin: germline.
Comment: The p.D1192E variant (also known as c.3576C>G), located in coding exon 23 of the RAD50 gene, results from a C to G substitution at nucleotide position 3576. The aspartic acid at codon 1192 is replaced by glutamic acid, an amino acid with highly similar properties. This amino acid position is conserved. In addition, this alteration is predicted to be tolerated by in silico analysis. Since supporting evidence is limited at this time, the clinical significance of this alteration remains unclear.

Labcorp Genetics (formerly Invitae), Labcorp
Classification: Uncertain significance for Hereditary cancer-predisposing syndrome. Last evaluated: 2020-02-05. Review status: criteria provided, single submitter. Criteria: Invitae Variant Classification Sherloc (09022015). Collection method: clinical testing. Allele origin: germline.
Comment: This variant has not been reported in the literature in individuals with RAD50-related conditions. This sequence change replaces aspartic acid with glutamic acid at codon 1192 of the RAD50 protein (p.Asp1192Glu). The aspartic acid residue is moderately conserved and there is a small physicochemical difference between aspartic acid and glutamic acid. This variant is not present in population databases (ExAC no frequency). Algorithms developed to predict the effect of missense changes on protein structure and function (SIFT, PolyPhen-2, Align-GVGD) all suggest that this variant is likely to be tolerated, but these predictions have not been confirmed by published functional studies and their clinical significance is uncertain. In summary, the available evidence is currently insufficient to determine the role of this variant in disease. Therefore, it has been classified as a Variant of Uncertain Significance.

NM_005732.4(RAD50):c.3576C>G (p.Asp1192Glu)

Genes: TH2-LCR (Th2 cytokine locus control region; plus strand), RAD50 (RAD50 double strand break repair protein; plus strand), TH2LCRR (T helper type 2 locus control region associated RNA; minus strand). Cytogenetic location: 5q31.1.
Variant type: single nucleotide variant.
Coding change: c.3576C>G on transcript NM_005732.4 (MANE Select); coding-DNA position 3576, C replaced by G.
Protein change: p.Asp1192Glu; replaces aspartic acid 1192 with glutamic acid.
Molecular consequence: missense variant. On other transcripts: non-coding transcript variant (3).
Genome position (GRCh38, 1-based): chr5:132,638,181, C>G. VCF-style: chr5-132638181-C-G. GRCh37 (hg19) VCF-style: chr5-131973873-C-G.
Other names: short protein forms D1192E.
Identifiers: ClinVar variation 1040178 (VCV001040178.11), dbSNP rs1751633282, ClinGen allele CA360932137.